The following is an entry in ClinVar:

NM_012193.4(FZD4):c.341T>A (p.Ile114Asn)

Genes: FZD4 (frizzled class receptor 4; minus strand), PRSS23 (serine protease 23; plus strand). Cytogenetic location: 11q14.2.
Variant type: single nucleotide variant.
Coding change: c.341T>A on transcript NM_012193.4 (MANE Select); coding-DNA position 341, T replaced by A.
Protein change: p.Ile114Asn; replaces isoleucine 114 with asparagine.
Molecular consequence: missense variant. On other transcripts: non-coding transcript variant (2).
Genome position (GRCh38, 1-based): chr11:86,952,415, A>T on the plus strand (T>A on the coding strand, the complement: FZD4 is on the minus strand). VCF-style: chr11-86952415-A-T. GRCh37 (hg19) VCF-style: chr11-86663457-A-T.
Other names: short protein forms I114N.
Identifiers: ClinVar variation 2672479 (VCV002672479.23), dbSNP rs2135041940, ClinGen allele CA382017162.

ClinVar aggregate classification (germline): Likely pathogenic. Review status: criteria provided, multiple submitters, no conflicts (2 of 4 stars). 2 submissions from 2 submitters: Likely pathogenic (2). Last evaluated 2023-11-01.

Conditions:
Retinal dystrophy. Also called: Inherited retinal dystrophy. Identifiers: Orphanet 71862, MedGen C0854723, MeSH D058499, MONDO:0019118, HP:0000556.

Submissions (2):

CeGaT Center for Human Genetics Tuebingen
Classification: Likely pathogenic. Last evaluated: 2023-11-01. Review status: criteria provided, single submitter. Criteria: CeGaT Center For Human Genetics Tuebingen Variant Classification Criteria Version 2. Collection method: clinical testing. Allele origin: germline. Affected: yes. Observed: 1 variant allele.
Comment: FZD4: PM2, PM5, PM6

Institute of Human Genetics, Univ. Regensburg, Univ. Regensburg
Classification: Likely pathogenic for Retinal dystrophy. Last evaluated: 2013-01-01. Review status: criteria provided, single submitter. Criteria: ACMG Guidelines, 2015. Collection method: clinical testing. Allele origin: germline. Affected: yes.

Literature cited by the submitters: PubMed 30452590 (cited by Institute of Human Genetics, Univ. Regensburg, Univ. Regensburg).